The following is an entry in ClinVar:

NM_001037132.4(NRCAM):c.3764T>G (p.Leu1255Arg)

Gene: NRCAM (neuronal cell adhesion molecule; minus strand). Cytogenetic location: 7q31.1.
Variant type: single nucleotide variant.
Coding change: c.3764T>G on transcript NM_001037132.4 (MANE Select); coding-DNA position 3764, T replaced by G.
Protein change: p.Leu1255Arg; replaces leucine 1255 with arginine.
Molecular consequence: missense variant. On other transcripts: 3 prime UTR variant (2), non-coding transcript variant (5).
Genome position (GRCh38, 1-based): chr7:108,150,061, A>C on the plus strand (T>G on the coding strand, the complement: NRCAM is on the minus strand). VCF-style: chr7-108150061-A-C. GRCh37 (hg19) VCF-style: chr7-107790506-A-C.
Other names: c.3485T>G, p.Leu1162Arg (NM_001193582.2, NM_001371128.1, NM_001371144.1 and 1 more transcripts); c.3428T>G, p.Leu1143Arg (NM_001193583.2, NM_001371122.1, NM_001371139.1 and 7 more transcripts); c.3392T>G, p.Leu1131Arg (NM_001193584.2, NM_001371162.1); c.3716T>G, p.Leu1239Arg (NM_001371119.1); c.3494T>G, p.Leu1165Arg (NM_001371123.1, NM_001371149.1); c.3707T>G, p.Leu1236Arg (NM_001371124.1, NM_001371126.1, NM_001371172.1); c.3140T>G, p.Leu1047Arg (NM_001371125.1, NM_001371147.1); c.3482T>G, p.Leu1161Arg (NM_001371127.1); and 26 more; short protein forms L1162R, L1255R, L1134R, L1131R, L1143R, L1034R, L1048R, L1173R.
Identifiers: ClinVar variation 100829 (VCV000100829.2), dbSNP rs483352709, ClinGen allele CA229081.

ClinVar aggregate classification (germline): Uncertain significance. Review status: no assertion criteria provided (0 of 4 stars). 2 submissions from 1 submitter: Uncertain significance (1). 1 of the submissions does not count toward it.

Submissions (2):

Richard Lifton Laboratory, Yale University School of Medicine
Classification: Uncertain significance. Review status: no assertion criteria provided. Collection method: not provided. Allele origin: somatic.
Comment: NRCAM:p.V1162G
ClinVar note: Converted during submission from unknown to Uncertain significance.

Richard Lifton Laboratory, Yale University School of Medicine
Classification: Uncertain significance. Review status: flagged submission. Collection method: not provided. Allele origin: somatic. Not counted in ClinVar's aggregate classification.
ClinVar note: Converted during submission from unknown to Uncertain significance.
ClinVar note: Reason: This record appears to be redundant with a more recent record from the same submitter.
ClinVar note: Notes: SCV000120049 appears to be redundant with SCV000155152.